The following is an entry in ClinVar:

NM_022552.5(DNMT3A):c.1145A>T (p.Lys382Met)

Gene: DNMT3A (DNA methyltransferase 3 alpha; minus strand). Cytogenetic location: 2p23.3.
Variant type: single nucleotide variant.
Coding change: c.1145A>T on transcript NM_022552.5 (MANE Select); coding-DNA position 1145, A replaced by T.
Protein change: p.Lys382Met; replaces lysine 382 with methionine.
Molecular consequence: missense variant. On other transcripts: non-coding transcript variant (1).
Genome position (GRCh38, 1-based): chr2:25,246,754, T>A on the plus strand (A>T on the coding strand, the complement: DNMT3A is on the minus strand). VCF-style: chr2-25246754-T-A. GRCh37 (hg19) VCF-style: chr2-25469623-T-A.
Other names: c.689A>T, p.Lys230Met (NM_001320893.1); c.476A>T, p.Lys159Met (NM_001375819.1); c.578A>T, p.Lys193Met (NM_153759.3); c.1145A>T, p.Lys382Met (NM_175629.2); short protein forms K193M, K230M, K159M, K382M.
Identifiers: ClinVar variation 4243614 (VCV004243614.1).
Genomic context (GRCh38, chr2:25,246,754, plus strand): 5'-TGCACCTCCACGGCCTTGGCAGTGTCACTCTCATCGCTGTCGTGGCACACCGGGAACAGC[T>A]TCCCCGCGCGGCTGCTGGCCACCTGGAGGGTGACACGCCAGGGTTGGGGTTGTCAGGACA-3'
Protein context (NP_072046.2, residues 372-392): VLQVASSRAG[Lys382Met]LFPVCHDSDE

ClinVar aggregate classification (germline): Uncertain significance (1 of 4 stars; one submission).

Conditions:
Inborn genetic diseases. Identifiers: MedGen C0950123, MeSH D030342.

Submission:

Ambry Genetics
Classification: Uncertain significance for Inborn genetic diseases. Last evaluated: 2025-08-05. Review status: criteria provided, single submitter. Criteria: Ambry Variant Classification Scheme 2023. Collection method: clinical testing. Allele origin: germline.
Comment: The p.K382M variant (also known as c.1145A>T), located in coding exon 9 of the DNMT3A gene, results from an A to T substitution at nucleotide position 1145. The lysine at codon 382 is replaced by methionine, an amino acid with similar properties. This amino acid position is conserved. In addition, the in silico prediction for this alteration is inconclusive. Based on the available evidence, the clinical significance of this variant remains unclear.